The following is an entry in ClinVar:

ClinVar aggregate classification (germline): Likely benign. Review status: criteria provided, multiple submitters, no conflicts (2 of 4 stars). 3 submissions from 3 submitters: Likely benign (3). Last evaluated 2026-06-01.

Conditions:
Spermatogenic failure 18. Identifiers: MedGen C4539783, MONDO:0054615, OMIM 617576.
Ciliary dyskinesia, primary, 37 (CILD37). Also called: CILIARY DYSKINESIA, PRIMARY, 37, WITH OR WITHOUT SITUS INVERSUS. Identifiers: MedGen C4539798, MONDO:0033204, OMIM 617577.

Allele frequency attached by ClinVar (database versions not stated): gnomAD 0.00006 and 0.00008; TOPMed 0.00008; gnomAD exomes 0.00013 and 0.00022; ExAC 0.00014; 1000 Genomes Project 30x 0.00016; 1000 Genomes Project 0.00020; ESP Exome Variant Server 0.00031.
gnomAD v4.1: 331 of 1,612,956 alleles (0.021%); highest among the groups gnomAD compares: East Asian, 0.049%; no homozygotes.

Submissions (3):

CeGaT Center for Human Genetics Tuebingen
Classification: Likely benign. Last evaluated: 2026-06-01. Review status: criteria provided, single submitter. Criteria: CeGaT Center For Human Genetics Tuebingen Variant Classification Criteria Version 2. Collection method: clinical testing. Allele origin: germline. Affected: yes. Observed: 1 variant allele.
Comment: DNAH1: BP4, BP7

Labcorp Genetics (formerly Invitae), Labcorp
Classification: Likely benign for Ciliary dyskinesia, primary, 37; Spermatogenic failure 18. Last evaluated: 2025-10-08. Review status: criteria provided, single submitter. Criteria: Invitae Variant Classification Sherloc (09022015). Collection method: clinical testing. Allele origin: germline.

Blueprint Genetics
Classification: Likely benign. Last evaluated: 2024-07-05. Review status: criteria provided, single submitter. Criteria: ACMG Guidelines, 2015. Collection method: clinical testing. Allele origin: germline.

NM_015512.5(DNAH1):c.4131C>T (p.Ala1377=)

Gene: DNAH1 (dynein axonemal heavy chain 1; plus strand). Cytogenetic location: 3p21.1.
Variant type: single nucleotide variant.
Coding change: c.4131C>T on transcript NM_015512.5 (MANE Select); coding-DNA position 4131, C replaced by T.
Protein change: p.Ala1377=; no amino-acid change (alanine 1377 retained).
Molecular consequence: synonymous variant.
Genome position (GRCh38, 1-based): chr3:52,358,602, C>T. VCF-style: chr3-52358602-C-T. GRCh37 (hg19) VCF-style: chr3-52392618-C-T.
Identifiers: ClinVar variation 718936 (VCV000718936.10), dbSNP rs369871374, ClinGen allele CA2433816.